The following is an entry in ClinVar:

ClinVar aggregate classification (germline): Conflicting classifications of pathogenicity. Review status: criteria provided, conflicting classifications (1 of 4 stars). 21 submissions from 21 submitters: Uncertain significance (4); Benign (2); Likely benign (12). 3 of the submissions do not count toward it. Last evaluated 2026-01-31.

Conditions:
ATM-related disorder. Also called: ATM-related disorders; ATM-related condition.
Familial cancer of breast. Also called: Hereditary breast cancer; hereditary breast carcinoma; BREAST CANCER, FAMILIAL. Identifiers: Orphanet 227535, MedGen C0346153, MONDO:0016419, OMIM 114480. Disease mechanism: loss of function.
Ataxia-telangiectasia syndrome (AT). Also called: ATAXIA-TELANGIECTASIA, COMPLEMENTATION GROUP A; ATAXIA-TELANGIECTASIA, FRESNO VARIANT; Ataxia-telangiectasia; Ataxia-telangiectasia, complementation group D; AT, COMPLEMENTATION GROUP C; Ataxia-telangiectasia, complementation group E. Identifiers: Orphanet 100, MedGen C0004135, MONDO:0008840, OMIM 208900.
Hereditary cancer-predisposing syndrome. Also called: Tumor predisposition; Hereditary neoplastic syndrome; Hereditary Cancer Syndrome; Neoplastic Syndromes, Hereditary. Identifiers: Orphanet 140162, MedGen C0027672, MeSH D009386, MONDO:0015356.
Malignant tumor of breast. Also called: Cancer breast; Malignant breast neoplasm. Identifiers: MedGen C0006142, MONDO:0007254. Disease mechanism: loss of function.

Allele frequency attached by ClinVar (database versions not stated): gnomAD 0.00010; TOPMed 0.00013.
gnomAD v4.1: 197 of 1,613,762 alleles (0.012%); highest among the groups gnomAD compares: Middle Eastern, 0.049%; no homozygotes.

Submissions (21):

Labcorp Genetics (formerly Invitae), Labcorp
Classification: Benign for Ataxia-telangiectasia syndrome. Last evaluated: 2026-01-31. Review status: criteria provided, single submitter. Criteria: Invitae Variant Classification Sherloc (09022015). Collection method: clinical testing. Allele origin: germline.

CeGaT Center for Human Genetics Tuebingen
Classification: Likely benign. Last evaluated: 2025-08-01. Review status: criteria provided, single submitter. Criteria: CeGaT Center For Human Genetics Tuebingen Variant Classification Criteria Version 2. Collection method: clinical testing. Allele origin: germline. Affected: yes. Observed: 2 variant alleles.
Comment: ATM: BP4, BP5

Mendelics
Classification: Likely benign for Ataxia-telangiectasia syndrome. Last evaluated: 2025-06-23. Review status: criteria provided, single submitter. Criteria: ACMG Guidelines, 2015. Collection method: clinical testing. Allele origin: unknown.
Comment: This variant is considered likely benign or benign based on one or more of the following: it is predicted to be benign by multiple in silico algorithms, and/or has population frequency not consistent with disease, and/or has normal protein function, and/or has lack of segregation with disease, and/or has been detected in co-occurrence with known pathogenic variant, and/or has lack of disease association in case-control studies, and/or is located in a region inconsistent with a known cause of pathogenicity.

Athena Diagnostics
Classification: Likely benign. Last evaluated: 2025-06-06. Review status: criteria provided, single submitter. Criteria: Athena Diagnostics Criteria. Collection method: clinical testing. Allele origin: unknown.
Comment: The frequency of this variant in the general population is higher than would generally be expected for pathogenic variants in this gene. Computational tools predict this amino acid change may be benign.

Quest Diagnostics Nichols Institute San Juan Capistrano
Classification: Likely benign. Last evaluated: 2025-06-06. Review status: criteria provided, single submitter. Criteria: Quest Diagnostics criteria. Collection method: clinical testing. Allele origin: unknown.

Center for Genomic Medicine, Rigshospitalet, Copenhagen University Hospital
Classification: Uncertain significance. Last evaluated: 2025-03-04. Review status: criteria provided, single submitter. Criteria: ACMG Guidelines, 2015. Collection method: clinical testing. Allele origin: germline.

Color Diagnostics, LLC DBA Color Health
Classification: Likely benign for Hereditary cancer-predisposing syndrome. Last evaluated: 2024-11-15. Review status: criteria provided, single submitter. Criteria: ACMG Guidelines, 2015. Collection method: clinical testing. Allele origin: germline.

PreventionGenetics, part of Exact Sciences
Classification: Likely benign for ATM-related condition. Last evaluated: 2024-10-22. Review status: criteria provided, single submitter. Criteria: ACMG Guidelines, 2015. Collection method: clinical testing. Allele origin: germline.
Comment: This variant is classified as likely benign based on ACMG/AMP sequence variant interpretation guidelines (Richards et al. 2015 PMID: 25741868, with internal and published modifications).

Myriad Genetics, Inc.
Classification: Likely benign for Familial cancer of breast. Last evaluated: 2024-05-01. Review status: criteria provided, single submitter. Criteria: Myriad Autosomal Dominant, Autosomal Recessive and X-Linked Classification Criteria (2023). Collection method: clinical testing. Allele origin: unknown.
Comment: This variant is considered likely benign. This variant is strongly associated with less severe personal and family histories of cancer, typical for individuals without pathogenic variants in this gene [PMID: 25085752].

Institute for Biomarker Research, Medical Diagnostic Laboratories, L.L.C.
Classification: Likely benign for Hereditary cancer-predisposing syndrome. Last evaluated: 2024-02-20. Review status: criteria provided, single submitter. Criteria: ACMG Guidelines, 2015. Collection method: clinical testing. Allele origin: germline.

Blueprint Genetics
Classification: Likely benign. Last evaluated: 2024-02-19. Review status: criteria provided, single submitter. Criteria: ACMG Guidelines, 2015. Collection method: clinical testing. Allele origin: germline.

Women's Health and Genetics/Laboratory Corporation of America, LabCorp
Classification: Benign. Last evaluated: 2021-10-18. Review status: criteria provided, single submitter. Criteria: LabCorp Variant Classification Summary - May 2015. Collection method: clinical testing. Allele origin: germline.
Comment: Variant summary: ATM c.1703G>T (p.Arg568Ile) results in a non-conservative amino acid change in the encoded protein sequence. Four of five in-silico tools predict a benign effect of the variant on protein function. The variant allele was found at a frequency of 0.00019 in 276984 control chromosomes, predominantly at a frequency of 0.0034 within the Ashkenazi Jewish subpopulation in the gnomAD database. The observed variant frequency within Ashkenazi Jewish control individuals in the gnomAD database is approximately 3 fold of the estimated maximal expected allele frequency for a pathogenic variant in ATM causing Breast Cancer phenotype (0.001), strongly suggesting that the variant is a benign polymorphism found primarily in populations of Ashkenazi Jewish origin. c.1703G>T has been reported in the literature in individuals affected with Colorectal cancer or prostate cancer (Yurgelun_2016, Paulo_2018). These reports do not provide unequivocal conclusions about association of the variant with Breast Cancer. Co-occurrences with other pathogenic/likely pathogenic variants have been reported (ATM c.8934_8935del, p.E2979Afs*9; CHEK2 c.1283C>T, p.Ser428Phe, Yurgelun_2016 and internal data), providing supporting evidence for a benign role. Twelve clinical diagnostic laboratories have submitted clinical-significance assessments for this variant to ClinVar after 2014 without evidence for independent evaluation (Benign n=1, Likely benign n=4, VUS n=7). Based on the evidence outlined above, the variant was classified as benign.

Sema4
Classification: Likely benign for Hereditary cancer-predisposing syndrome. Last evaluated: 2021-03-19. Review status: criteria provided, single submitter. Criteria: Sema4 Curation Guidelines. Collection method: curation. Allele origin: germline.

GeneDx
Classification: Likely benign. Last evaluated: 2021-03-17. Review status: criteria provided, single submitter. Criteria: GeneDx Variant Classification Process June 2021. Collection method: clinical testing. Allele origin: germline. Affected: yes.
Comment: Observed in individuals with a personal and/or family history of melanoma, breast, ovarian, endometrial, colorectal or prostate cancer (Tung 2015, Decker 2017, Yurgelun 2017, Cock-Rada 2018, Paulo 2018, Pritchard 2018, Yehia 2018); In silico analysis supports that this missense variant does not alter protein structure/function; This variant is associated with the following publications: (PMID: 26878173, 27997549, 28528518, 28135145, 28873162, 29641532, 28779002, 29684080, 28137924, 25186627, 29659569, 31658756)

Ambry Genetics
Classification: Likely benign for Hereditary cancer-predisposing syndrome. Last evaluated: 2018-11-16. Review status: criteria provided, single submitter. Criteria: Ambry Variant Classification Scheme 2023. Collection method: clinical testing. Allele origin: germline.

Illumina Laboratory Services, Illumina
Classification: Uncertain significance for Ataxia-telangiectasia syndrome. Last evaluated: 2018-01-13. Review status: criteria provided, single submitter. Criteria: ICSL Variant Classification Criteria 13 December 2019. Collection method: clinical testing. Allele origin: germline.

Fulgent Genetics
Classification: Uncertain significance for Familial cancer of breast; Ataxia-telangiectasia syndrome. Last evaluated: 2017-05-23. Review status: criteria provided, single submitter. Criteria: ACMG Guidelines, 2015. Collection method: clinical testing. Allele origin: unknown.

Center for Genomics, Ann and Robert H. Lurie Children's Hospital of Chicago
Classification: Uncertain significance for Ataxia-telangiectasia syndrome; Familial cancer of breast. Review status: criteria provided, single submitter. Criteria: ACMG Guidelines, 2015. Collection method: clinical testing. Allele origin: germline.
Comment: ATM NM_000051.3 exon11 p.Arg568Ile (c.1703G>T): This variant has been reported in the literature in 1 individual with rectal cancer (Yurgelun 2017 PMID:28135145). This variant is present in 0.3% (36/10366) of Ashkenazi Jewish alleles in the Genome Aggregation Database. This variant is present in ClinVar (Variation ID:140916). Evolutionary conservation and computational predictive tools suggest that this variant may not impact the protein. In summary, data on this variant is insufficient for disease classification. Therefore, the clinical significance of this variant is uncertain

Natera, Inc.
Classification: Uncertain significance for Ataxia-telangiectasia. Last evaluated: 2020-01-11. Review status: no assertion criteria provided. Collection method: clinical testing. Allele origin: germline. Not counted in ClinVar's aggregate classification.

Counsyl
Classification: Uncertain significance for Ataxia-telangiectasia syndrome. Last evaluated: 2018-05-03. Review status: no assertion criteria provided. Collection method: clinical testing. Allele origin: unknown. Not counted in ClinVar's aggregate classification.

Department of Pathology and Laboratory Medicine, Sinai Health System
Classification: Uncertain significance for Malignant tumor of breast. Review status: no assertion criteria provided. Collection method: clinical testing. Allele origin: unknown. Affected: yes. Observed: 2 variant alleles. Study: The Canadian Open Genetics Repository (COGR). Not counted in ClinVar's aggregate classification.
Comment: The ATM p.Arg568Ile variant was identified in 1 of 170 proband chromosomes (frequency: 0.006) from individuals or families with breast and ovarian cancer (Cock-Rada 2017). The variant was also identified in the following databases: dbSNP (ID: rs200381392) as With Uncertain significance allele, ClinVar (classified as uncertain significance by Ambry Genetics, GenDx, Invitae) and Clinvitae. The variant was not identified in the COGR, Cosmic, MutDB, or LOVD 3.0 databases. The variant was identified in control databases in 54 of 276984 chromosomes at a frequency of 0.0002 increasing the likelihood this could be a low frequency variant (Genome Aggregation Consortium Feb 27, 2017). The p.Arg568 residue is not conserved in mammals and four out of five computational analyses (PolyPhen-2, SIFT, AlignGVGD, BLOSUM, MutationTaster) do not suggest a high likelihood of impact to the protein; however, this information is not predictive enough to rule out pathogenicity. The variant occurs outside of the splicing consensus sequence and 1 of 5 in silico or computational prediction software programs (SpliceSiteFinder, MaxEntScan, NNSPLICE, GeneSplicer, HumanSpliceFinder) predict a greater than 10% difference in splicing; this is not very predictive of pathogenicity. In summary, based on the above information, the clinical significance of this variant cannot be determined with certainty at this time. This variant is classified as a variant of uncertain significance.

Literature cited by the submitters: PubMed 28135145 (cited by 4 submitters); PubMed 26878173 (cited by 3 submitters); PubMed 29659569 (cited by 3 submitters); PubMed 31658756 (cited by Athena Diagnostics and Quest Diagnostics Nichols Institute San Juan Capistrano); PubMed 25186627 (cited by Athena Diagnostics and Quest Diagnostics Nichols Institute San Juan Capistrano); PubMed 28779002 (cited by Athena Diagnostics and Quest Diagnostics Nichols Institute San Juan Capistrano); PubMed 29684080 (cited by Athena Diagnostics and Quest Diagnostics Nichols Institute San Juan Capistrano); PubMed 28528518 (cited by 3 submitters); PubMed 25085752 (cited by Myriad Genetics, Inc.); PubMed 30883245 (cited by Women's Health and Genetics/Laboratory Corporation of America, LabCorp); PubMed 31206626 (cited by Women's Health and Genetics/Laboratory Corporation of America, LabCorp); PubMed 27997549 (cited by Ambry Genetics).

NM_000051.4(ATM):c.1703G>T (p.Arg568Ile)

Gene: ATM (ATM serine/threonine kinase; plus strand). Cytogenetic location: 11q22.3.
Variant type: single nucleotide variant.
Coding change: c.1703G>T on transcript NM_000051.4 (MANE Select); coding-DNA position 1703, G replaced by T.
Protein change: p.Arg568Ile; replaces arginine 568 with isoleucine.
Molecular consequence: missense variant.
Genome position (GRCh38, 1-based): chr11:108,251,932, G>T. VCF-style: chr11-108251932-G-T. GRCh37 (hg19) VCF-style: chr11-108122659-G-T.
Other names: p.R568I:AGA>ATA; c.1703G>T, p.Arg568Ile (NM_001351834.2); short protein forms R568I.
Identifiers: ClinVar variation 140916 (VCV000140916.87), dbSNP rs200381392, ClinGen allele CA294000.